The following is an entry in ClinVar:

NM_019066.5(MAGEL2):c.554C>G (p.Pro185Arg)

Gene: MAGEL2 (MAGE family member L2; minus strand). Cytogenetic location: 15q11.2.
Variant type: single nucleotide variant.
Coding change: c.554C>G on transcript NM_019066.5 (MANE Select); coding-DNA position 554, C replaced by G.
Protein change: p.Pro185Arg; replaces proline 185 with arginine.
Molecular consequence: missense variant.
Genome position (GRCh38, 1-based): chr15:23,647,189, G>C on the plus strand (C>G on the coding strand, the complement: MAGEL2 is on the minus strand). VCF-style: chr15-23647189-G-C. GRCh37 (hg19) VCF-style: chr15-23892336-G-C.
Other names: short protein forms P185R.
Identifiers: ClinVar variation 2090337 (VCV002090337.4), dbSNP rs925740739, ClinGen allele CA391336988.
Genomic context (GRCh38, chr15:23,647,189, plus strand): 5'-GGAGGGGGAGGATGAGCCATCGGTGTCCCCGGAGGGGGAGGATGAGCCATCGGGGTCCCC[G>C]GAGGAGGAGGATGCACCATCGGGGTCCCCGGAGGAGGAGGATGGGCCATCGGGGTCCCCG-3'
Protein context (NP_061939.3, residues 175-195): PGTPMVHPPP[Pro185Arg]GTPMAHPPPP

ClinVar aggregate classification (germline): Uncertain significance (1 of 4 stars; one submission).

Submission:

Labcorp Genetics (formerly Invitae), Labcorp
Classification: Uncertain significance. Last evaluated: 2022-06-22. Review status: criteria provided, single submitter. Criteria: Invitae Variant Classification Sherloc (09022015). Collection method: clinical testing. Allele origin: germline.
Comment: In summary, the available evidence is currently insufficient to determine the role of this variant in disease. Therefore, it has been classified as a Variant of Uncertain Significance. Experimental studies and prediction algorithms are not available or were not evaluated, and the functional significance of this variant is currently unknown. This variant has not been reported in the literature in individuals affected with MAGEL2-related conditions. This variant is not present in population databases (gnomAD no frequency). This sequence change replaces proline, which is neutral and non-polar, with arginine, which is basic and polar, at codon 185 of the MAGEL2 protein (p.Pro185Arg).